The following is an entry in ClinVar:

NM_001370466.1(NOD2):c.1609G>A (p.Val537Met)

Gene: NOD2 (nucleotide binding oligomerization domain containing 2; plus strand). Cytogenetic location: 16q12.1.
Variant type: single nucleotide variant.
Coding change: c.1609G>A on transcript NM_001370466.1 (MANE Select); coding-DNA position 1609, G replaced by A.
Protein change: p.Val537Met; replaces valine 537 with methionine.
Molecular consequence: missense variant. On other transcripts: non-coding transcript variant (1).
Genome position (GRCh38, 1-based): chr16:50,711,601, G>A. VCF-style: chr16-50711601-G-A. GRCh37 (hg19) VCF-style: chr16-50745512-G-A.
Other names: c.1609G>A, p.Val537Met (NM_001293557.2); c.1690G>A, p.Val564Met (NM_022162.3); short protein forms V537M, V564M.
Identifiers: ClinVar variation 838875 (VCV000838875.10), dbSNP rs760678831, ClinGen allele CA8051609.

ClinVar aggregate classification (germline): Uncertain significance (1 of 4 stars; one submission).

Conditions:
Regional enteritis. Also called: Enteritis, Granulomatous. Identifiers: MedGen C0678202, MeSH D003424.
Blau syndrome (BLAUS). Also called: GRANULOMATOSIS, FAMILIAL JUVENILE SYSTEMIC; GRANULOMATOSIS, FAMILIAL, BLAU TYPE; GRANULOMATOUS INFLAMMATORY ARTHRITIS, DERMATITIS, AND UVEITIS, FAMILIAL; JABS SYNDROME; ARTHROCUTANEOUVEAL GRANULOMATOSIS. Identifiers: Orphanet 90340, MedGen C5201146, MONDO:0008523, OMIM 186580.

Allele frequency attached by ClinVar (database versions not stated): ExAC 0.00001; gnomAD 0.00001; gnomAD exomes 0.00001; TOPMed 0.00001.
gnomAD v4.1: 9 of 1,611,366 alleles (0.00056%); highest among the groups gnomAD compares: African/African-American, 0.004%; no homozygotes.

Submission:

Labcorp Genetics (formerly Invitae), Labcorp
Classification: Uncertain significance for Regional enteritis; Blau syndrome. Last evaluated: 2024-03-20. Review status: criteria provided, single submitter. Criteria: Invitae Variant Classification Sherloc (09022015). Collection method: clinical testing. Allele origin: germline.
Comment: This sequence change replaces valine, which is neutral and non-polar, with methionine, which is neutral and non-polar, at codon 564 of the NOD2 protein (p.Val564Met). This variant is present in population databases (rs760678831, gnomAD 0.003%). This variant has not been reported in the literature in individuals affected with NOD2-related conditions. ClinVar contains an entry for this variant (Variation ID: 838875). Advanced modeling of protein sequence and biophysical properties (such as structural, functional, and spatial information, amino acid conservation, physicochemical variation, residue mobility, and thermodynamic stability) has been performed at Invitae for this missense variant, however the output from this modeling did not meet the statistical confidence thresholds required to predict the impact of this variant on NOD2 protein function. In summary, the available evidence is currently insufficient to determine the role of this variant in disease. Therefore, it has been classified as a Variant of Uncertain Significance.